The following is an entry in ClinVar:

ClinVar aggregate classification (germline): Uncertain significance (1 of 4 stars; one submission).

Conditions:
Developmental and epileptic encephalopathy, 12 (DEE12). Identifiers: MedGen C3150988, MONDO:0013389, OMIM 613722.

Submission:

Labcorp Genetics (formerly Invitae), Labcorp
Classification: Uncertain significance for Developmental and epileptic encephalopathy, 12. Last evaluated: 2022-07-12. Review status: criteria provided, single submitter. Criteria: Invitae Variant Classification Sherloc (09022015). Collection method: clinical testing. Allele origin: germline.
Comment: This sequence change falls in intron 15 of the PNKP gene. It does not directly change the encoded amino acid sequence of the PNKP protein. It affects a nucleotide within the consensus splice site. This variant is not present in population databases (gnomAD no frequency). This variant has not been reported in the literature in individuals affected with PNKP-related conditions. ClinVar contains an entry for this variant (Variation ID: 1352027). Variants that disrupt the consensus splice site are a relatively common cause of aberrant splicing (PMID: 17576681, 9536098). Algorithms developed to predict the effect of sequence changes on RNA splicing suggest that this variant may disrupt the consensus splice site. In summary, the available evidence is currently insufficient to determine the role of this variant in disease. Therefore, it has been classified as a Variant of Uncertain Significance.

Literature cited by the submitters: PubMed 17576681; PubMed 9536098.

NM_007254.4(PNKP):c.1387-3C>A

Gene: PNKP (polynucleotide kinase 3'-phosphatase; minus strand). Cytogenetic location: 19q13.33.
Variant type: single nucleotide variant.
Coding change: c.1387-3C>A on transcript NM_007254.4 (MANE Select); 3 bases into the intron before coding-DNA position 1387, C replaced by A.
Molecular consequence: intron variant.
Genome position (GRCh38, 1-based): chr19:49,861,513, G>T on the plus strand (C>A on the coding strand, the complement: PNKP is on the minus strand). VCF-style: chr19-49861513-G-T. GRCh37 (hg19) VCF-style: chr19-50364770-G-T.
Identifiers: ClinVar variation 1352027 (VCV001352027.6), dbSNP rs1470343514, ClinGen allele CA2573156610.
Genomic context (GRCh38, chr19:49,861,513, plus strand): 5'-AGCCATACATGACCATGTCTGACACGGGGATATGAGAGGAGTCCGTCATCTCTCGAAACT[G>T]TGGGGAACATCAGAGGGGCGGCAGGCCCAGGGGTCAGGGGAGGAGGGGGGTCAGGGGGTG-3'